The following is an entry in ClinVar:

NM_001267550.2(TTN):c.102797A>G (p.Asn34266Ser)

Genes: TTN (titin; minus strand), TTN-AS1 (TTN antisense RNA 1; plus strand). Cytogenetic location: 2q31.2.
Variant type: single nucleotide variant.
Coding change: c.102797A>G on transcript NM_001267550.2 (MANE Select); coding-DNA position 102797, A replaced by G.
Protein change: p.Asn34266Ser; replaces asparagine 34266 with serine.
Molecular consequence: missense variant.
Genome position (GRCh38, 1-based): chr2:178,533,818, T>C on the plus strand (A>G on the coding strand, the complement: TTN is on the minus strand). VCF-style: chr2-178533818-T-C. GRCh37 (hg19) VCF-style: chr2-179398545-T-C.
Other names: c.97874A>G, p.Asn32625Ser (NM_001256850.1); c.75602A>G, p.Asn25201Ser (NM_003319.4); c.95093A>G, p.Asn31698Ser (NM_133378.4); c.75977A>G, p.Asn25326Ser (NM_133432.3); c.76178A>G, p.Asn25393Ser (NM_133437.4); short protein forms N31698S, N25201S, N25326S, N34266S, N25393S, N32625S.
Identifiers: ClinVar variation 2947575 (VCV002947575.3), dbSNP rs2468509372, ClinGen allele CA349416699.

ClinVar aggregate classification (germline): Uncertain significance (1 of 4 stars; one submission).

Conditions:
Dilated cardiomyopathy 1G (CMD1G). Identifiers: Orphanet 154, MedGen C1858763, MONDO:0011400, OMIM 604145.
Autosomal recessive limb-girdle muscular dystrophy type 2J (LGMDR10). Also called: Limb-girdle muscular dystrophy, type 2J; MUSCULAR DYSTROPHY, LIMB-GIRDLE, AUTOSOMAL RECESSIVE 10. Identifiers: Orphanet 140922, MedGen C1837342, MONDO:0012127, OMIM 608807.

Allele frequency attached by ClinVar (database versions not stated): gnomAD exomes below 0.00001.
gnomAD v4.1: 1 of 1,614,016 alleles (0.000062%); highest among the groups gnomAD compares: Non-Finnish European, 0.000085%; no homozygotes.

Submission:

Labcorp Genetics (formerly Invitae), Labcorp
Classification: Uncertain significance for Dilated cardiomyopathy 1G; Autosomal recessive limb-girdle muscular dystrophy type 2J. Last evaluated: 2023-11-09. Review status: criteria provided, single submitter. Criteria: Invitae Variant Classification Sherloc (09022015). Collection method: clinical testing. Allele origin: germline.
Comment: This sequence change replaces asparagine, which is neutral and polar, with serine, which is neutral and polar, at codon 34266 of the TTN protein (p.Asn34266Ser). This variant is not present in population databases (gnomAD no frequency). This variant has not been reported in the literature in individuals affected with TTN-related conditions. Experimental studies and prediction algorithms are not available or were not evaluated, and the functional significance of this variant is currently unknown. This variant disrupts the p.Asn34266 amino acid residue in TTN. Other variant(s) that disrupt this residue have been determined to be pathogenic (PMID: 35081925; Invitae). This suggests that this residue is clinically significant, and that variants that disrupt this residue are likely to be disease-causing. In summary, the available evidence is currently insufficient to determine the role of this variant in disease. Therefore, it has been classified as a Variant of Uncertain Significance.

Literature cited by the submitters: PubMed 35081925.